The following is an entry in ClinVar:

ClinVar aggregate classification (germline): Uncertain significance. Review status: criteria provided, single submitter (1 of 4 stars). 2 submissions from 2 submitters: Uncertain significance (1). 1 of the submissions does not count toward it. Last evaluated 2022-01-25.

Conditions:
Wilson disease (WND). Also called: Wilson's disease. Identifiers: Orphanet 905, MedGen C0019202, MONDO:0010200, OMIM 277900. Disease mechanism: loss of function.

Allele frequency attached by ClinVar (database versions not stated): gnomAD exomes 0.00002; ExAC 0.00003; TOPMed 0.00001.
gnomAD v4.1: 23 of 1,614,084 alleles (0.0014%); highest among the groups gnomAD compares: East Asian, 0.016%; no homozygotes.

Submissions (2):

Labcorp Genetics (formerly Invitae), Labcorp
Classification: Uncertain significance for Wilson disease. Last evaluated: 2022-01-25. Review status: criteria provided, single submitter. Criteria: Invitae Variant Classification Sherloc (09022015). Collection method: clinical testing. Allele origin: germline.
Comment: This sequence change replaces alanine, which is neutral and non-polar, with threonine, which is neutral and polar, at codon 576 of the ATP7B protein (p.Ala576Thr). This variant is present in population databases (rs747638528, gnomAD 0.02%). This variant has not been reported in the literature in individuals affected with ATP7B-related conditions. ClinVar contains an entry for this variant (Variation ID: 941024). Algorithms developed to predict the effect of missense changes on protein structure and function output the following: SIFT: "Deleterious"; PolyPhen-2: "Benign"; Align-GVGD: "Class C0". The threonine amino acid residue is found in multiple mammalian species, which suggests that this missense change does not adversely affect protein function. In summary, the available evidence is currently insufficient to determine the role of this variant in disease. Therefore, it has been classified as a Variant of Uncertain Significance.

Natera, Inc.
Classification: Uncertain significance for Wilson disease. Last evaluated: 2021-04-30. Review status: no assertion criteria provided. Collection method: clinical testing. Allele origin: germline. Not counted in ClinVar's aggregate classification.

NM_000053.4(ATP7B):c.1726G>A (p.Ala576Thr)

Gene: ATP7B (ATPase copper transporting beta; minus strand). Cytogenetic location: 13q14.3.
Variant type: single nucleotide variant.
Coding change: c.1726G>A on transcript NM_000053.4 (MANE Select); coding-DNA position 1726, G replaced by A.
Protein change: p.Ala576Thr; replaces alanine 576 with threonine.
Molecular consequence: missense variant.
Genome position (GRCh38, 1-based): chr13:51,965,015, C>T on the plus strand (G>A on the coding strand, the complement: ATP7B is on the minus strand). VCF-style: chr13-51965015-C-T. GRCh37 (hg19) VCF-style: chr13-52539151-C-T.
Other names: c.1726G>A, p.Ala576Thr (NM_001005918.3, NM_001330578.2, NM_001330579.2); c.1393G>A, p.Ala465Thr (NM_001243182.2); short protein forms A576T, A465T.
Identifiers: ClinVar variation 941024 (VCV000941024.11), dbSNP rs747638528, ClinGen allele CA6989240.